The following is an entry in ClinVar:

ClinVar aggregate classification (germline): Conflicting classifications of pathogenicity. Review status: criteria provided, conflicting classifications (1 of 4 stars). 3 submissions from 3 submitters: Likely pathogenic (1); Uncertain significance (2). Last evaluated 2026-01-21.
ClinVar aggregate classification (somatic clinical impact): Tier I - Strong (1 of 4 stars; one submission).
ClinVar aggregate classification (oncogenicity): Uncertain significance (1 of 4 stars; one submission).

Conditions:
SMARCA4-related disorder. Also called: SMARCA4-related condition.
Rhabdoid tumor predisposition syndrome 2 (RTPS2). Identifiers: Orphanet 231108, Orphanet 69077, MedGen C2750074, MONDO:0013224, OMIM 613325.
Medulloblastoma non-WNT/non-SHH group 3. Identifiers: MedGen C4330665, MONDO:0956966.
Neoplasm. Also called: tumor; Neoplasms; Neoplasm (disease). Identifiers: MedGen C0027651, MeSH D009369, MONDO:0005070, HP:0002664.

Submissions (5):

Labcorp Genetics (formerly Invitae), Labcorp
Classification: Uncertain significance for Rhabdoid tumor predisposition syndrome 2. Last evaluated: 2026-01-21. Review status: criteria provided, single submitter. Criteria: Invitae Variant Classification Sherloc (09022015). Collection method: clinical testing. Allele origin: germline.
Comment: This sequence change replaces arginine, which is basic and polar, with tryptophan, which is neutral and slightly polar, at codon 966 of the SMARCA4 protein (p.Arg966Trp). This variant is not present in population databases (gnomAD no frequency). This missense change has been observed in individual(s) with clinical features of SMARCA4-related conditions (PMID: 39085968). ClinVar contains an entry for this variant (Variation ID: 436812). Invitae Evidence Modeling of protein sequence and biophysical properties (such as structural, functional, and spatial information, amino acid conservation, physicochemical variation, residue mobility, and thermodynamic stability) indicates that this missense variant is expected to disrupt SMARCA4 protein function with a positive predictive value of 95%. In summary, the available evidence is currently insufficient to determine the role of this variant in disease. Therefore, it has been classified as a Variant of Uncertain Significance.

Institute for Genomic Medicine (IGM) Clinical Laboratory, Nationwide Children's Hospital
Classification: Tier I - Strong for Medulloblastoma non-WNT/non-SHH group 3. Assertion type: diagnostic. Clinical significance: supports diagnosis. Last evaluated: 2025-03-13. Review status: criteria provided, single submitter. Criteria: AMP/ASCO/CAP Guidelines, 2017. Collection method: clinical testing. Allele origin: somatic. Affected: yes.
Comment: Variant has Tier I (strong) clinical significance as a diagnostic inclusion criterion in medulloblastoma non-WNT/non-SHH group 3, based on the following evidence: 1) Documented in one or more cancer databases (e.g., St. Jude Pecan, COSMIC, CIViC, OncoKB). 2) Appears in one or more well-established professional guidelines (e.g., World Health Organization [WHO]; National Comprehensive Cancer Network [NCCN]) as providing diagnostic, prognostic, or therapeutic information. 3) Diagnostic for a specific tumor type/classification based on well-powered studies with expert-level consensus (Evidence Level B; PMIDs: 21163964, 28726821, 22820256, 22832583, 22722829, 23432644).

Center for Genomic Medicine, Rigshospitalet, Copenhagen University Hospital
Classification: Uncertain significance for Neoplasm. Last evaluated: 2025-03-04. Review status: criteria provided, single submitter. Criteria: ClinGen/CGC/VICC Guidelines for Oncogenicity, 2022. Collection method: clinical testing. Allele origin: somatic. Affected: yes.

PreventionGenetics, part of Exact Sciences
Classification: Likely pathogenic for SMARCA4-related condition. Last evaluated: 2023-04-05. Review status: criteria provided, single submitter. Criteria: ACMG Guidelines, 2015. Collection method: clinical testing. Allele origin: germline.
Comment: The SMARCA4 c.2896C>T variant is predicted to result in the amino acid substitution p.Arg966Trp. To our knowledge, this variant has not been reported in the literature or in a large population database, indicating this variant is rare. Pathogenic variants in this gene primarily occur de novo (Li et al. 2020. PubMed ID: 32686290; Sekiguchi et al. 2019. PubMed ID: 31530938). Taken together, we interpret this variant as likely pathogenic.

Genetic Services Laboratory, University of Chicago
Classification: Uncertain significance. Last evaluated: 2017-02-02. Review status: criteria provided, single submitter. Criteria: ACMG Guidelines, 2015. Collection method: clinical testing. Allele origin: germline. Affected: no.

Literature cited by the submitters: PubMed 39085968 (cited by Labcorp Genetics (formerly Invitae), Labcorp); PubMed 21163964 (cited by Institute for Genomic Medicine (IGM) Clinical Laboratory, Nationwide Children's Hospital); PubMed 28726821 (cited by Institute for Genomic Medicine (IGM) Clinical Laboratory, Nationwide Children's Hospital); PubMed 22820256 (cited by Institute for Genomic Medicine (IGM) Clinical Laboratory, Nationwide Children's Hospital); PubMed 22832583 (cited by Institute for Genomic Medicine (IGM) Clinical Laboratory, Nationwide Children's Hospital); PubMed 22722829 (cited by Institute for Genomic Medicine (IGM) Clinical Laboratory, Nationwide Children's Hospital); PubMed 23432644 (cited by Institute for Genomic Medicine (IGM) Clinical Laboratory, Nationwide Children's Hospital); PubMed 27149842 (cited by Center for Genomic Medicine, Rigshospitalet, Copenhagen University Hospital); PubMed 23525077 (cited by Center for Genomic Medicine, Rigshospitalet, Copenhagen University Hospital); PubMed 24755471 (cited by Center for Genomic Medicine, Rigshospitalet, Copenhagen University Hospital).

NM_003072.5(SMARCA4):c.2896C>T (p.Arg966Trp)

Gene: SMARCA4 (SWI/SNF related BAF chromatin remodeling complex subunit ATPase 4; plus strand). Cytogenetic location: 19p13.2.
Variant type: single nucleotide variant.
Coding change: c.2896C>T on transcript NM_003072.5 (MANE Select); coding-DNA position 2896, C replaced by T.
Protein change: p.Arg966Trp; replaces arginine 966 with tryptophan.
Molecular consequence: missense variant. On other transcripts: non-coding transcript variant (1).
Genome position (GRCh38, 1-based): chr19:11,023,554, C>T. VCF-style: chr19-11023554-C-T. GRCh37 (hg19) VCF-style: chr19-11134230-C-T.
Other names: c.2896C>T, p.Arg966Trp (NM_001128844.3, NM_001128845.2, NM_001128846.2 and 5 more transcripts); short protein forms R966W.
Identifiers: ClinVar variation 436812 (VCV000436812.10), dbSNP rs1227826852, ClinGen allele CA404057542.